The following is an entry in ClinVar:

ClinVar aggregate classification (germline): Uncertain significance (1 of 4 stars; one submission).

Conditions:
MAGEL2-related disorder. Also called: MAGEL2-related condition.

Submission:

PreventionGenetics, part of Exact Sciences
Classification: Uncertain significance for MAGEL2-related condition. Last evaluated: 2026-03-22. Review status: criteria provided, single submitter. Criteria: ACMG Guidelines, 2015. Collection method: clinical testing. Allele origin: germline.
Comment: The MAGEL2 c.1516G>C variant is predicted to result in the amino acid substitution p.Val506Leu. To our knowledge, this variant has not been reported in the literature or in a large population database (gnomAD), indicating this variant is rare. At this time, the clinical significance of this variant is uncertain due to the absence of conclusive functional and genetic evidence.

NM_019066.5(MAGEL2):c.1516G>C (p.Val506Leu)

Gene: MAGEL2 (MAGE family member L2; minus strand). Cytogenetic location: 15q11.2.
Variant type: single nucleotide variant.
Coding change: c.1516G>C on transcript NM_019066.5 (MANE Select); coding-DNA position 1516, G replaced by C.
Protein change: p.Val506Leu; replaces valine 506 with leucine.
Molecular consequence: missense variant.
Genome position (GRCh38, 1-based): chr15:23,646,227, C>G on the plus strand (G>C on the coding strand, the complement: MAGEL2 is on the minus strand). VCF-style: chr15-23646227-C-G. GRCh37 (hg19) VCF-style: chr15-23891374-C-G.
Other names: short protein forms V506L.
Identifiers: ClinVar variation 4994160 (VCV004994160.1).